The following is an entry in ClinVar:

NM_000085.5(CLCNKB):c.656-131C>T

Genes: CLCNKB (chloride voltage-gated channel Kb; plus strand), LOC106501713 (CLCNKB recombination region; plus strand). Cytogenetic location: 1p36.13.
Variant type: single nucleotide variant.
Coding change: c.656-131C>T on transcript NM_000085.5 (MANE Select); 131 bases into the intron before coding-DNA position 656, C replaced by T.
Molecular consequence: intron variant. On other transcripts: synonymous variant (1).
Genome position (GRCh38, 1-based): chr1:16,048,989, C>T. VCF-style: chr1-16048989-C-T. GRCh37 (hg19) VCF-style: chr1-16375484-C-T.
Other names: c.18C>T, p.Leu6= (NM_001165945.2).
Identifiers: ClinVar variation 2638356 (VCV002638356.24), dbSNP rs752155216, ClinGen allele CA623438.

ClinVar aggregate classification (germline): Likely benign (1 of 4 stars; one submission).

Allele frequency attached by ClinVar (database versions not stated): gnomAD exomes 0.00001; TOPMed 0.00001; ExAC 0.00002.
gnomAD v4.1: 12 of 1,585,842 alleles (0.00076%); highest among the groups gnomAD compares: Admixed American, 0.0035%; no homozygotes.

Submission:

CeGaT Center for Human Genetics Tuebingen
Classification: Likely benign. Last evaluated: 2023-04-01. Review status: criteria provided, single submitter. Criteria: CeGaT Center For Human Genetics Tuebingen Variant Classification Criteria Version 2. Collection method: clinical testing. Allele origin: germline. Affected: yes. Observed: 1 variant allele.
Comment: CLCNKB: BP4, BP7